The following is an entry in ClinVar:

NM_000092.5(COL4A4):c.4733T>G (p.Val1578Gly)

Gene: COL4A4 (collagen type IV alpha 4 chain; minus strand). Cytogenetic location: 2q36.3.
Variant type: single nucleotide variant.
Coding change: c.4733T>G on transcript NM_000092.5 (MANE Select); coding-DNA position 4733, T replaced by G.
Protein change: p.Val1578Gly; replaces valine 1578 with glycine.
Molecular consequence: missense variant.
Genome position (GRCh38, 1-based): chr2:227,008,094, A>C on the plus strand (T>G on the coding strand, the complement: COL4A4 is on the minus strand). VCF-style: chr2-227008094-A-C. GRCh37 (hg19) VCF-style: chr2-227872810-A-C.
Other names: short protein forms V1578G.
Identifiers: ClinVar variation 4800350 (VCV004800350.1).

ClinVar aggregate classification (germline): Uncertain significance (1 of 4 stars; one submission).

Submission:

Labcorp Genetics (formerly Invitae), Labcorp
Classification: Uncertain significance. Last evaluated: 2025-10-14. Review status: criteria provided, single submitter. Criteria: Invitae Variant Classification Sherloc (09022015). Collection method: clinical testing. Allele origin: germline.
Comment: This sequence change replaces valine, which is neutral and non-polar, with glycine, which is neutral and non-polar, at codon 1578 of the COL4A4 protein (p.Val1578Gly). This variant is not present in population databases (gnomAD no frequency). This variant has not been reported in the literature in individuals affected with COL4A4-related conditions. Invitae Evidence Modeling of protein sequence and biophysical properties (such as structural, functional, and spatial information, amino acid conservation, physicochemical variation, residue mobility, and thermodynamic stability) indicates that this missense variant is not expected to disrupt COL4A4 protein function with a negative predictive value of 95%. In summary, the available evidence is currently insufficient to determine the role of this variant in disease. Therefore, it has been classified as a Variant of Uncertain Significance.